The following is an entry in ClinVar:

ClinVar aggregate classification (germline): Uncertain significance (1 of 4 stars; one submission).

Conditions:
Aneurysm-osteoarthritis syndrome. Also called: LOEYS-DIETZ SYNDROME WITH OSTEOARTHRITIS; SMAD3-Related Loeys-Dietz Syndrome; ANEURYSMS-OSTEOARTHRITIS SYNDROME; Loeys-Dietz syndrome, type 1C. Identifiers: Orphanet 284984, MedGen C3151087, MONDO:0013426, OMIM 613795.

Submission:

All of Us Research Program, National Institutes of Health
Classification: Uncertain significance for Aneurysm-osteoarthritis syndrome. Last evaluated: 2024-03-05. Review status: criteria provided, single submitter. Criteria: ACMG Guidelines, 2015. Collection method: clinical testing. Allele origin: germline. Inheritance: Autosomal dominant inheritance. Observed: 1 variant allele, 1 heterozygote.
Comment: This study involves interpretation of variants in research participants for the purpose of population health screening. Participant phenotype was not available at the time of variant classification. Additional details can be found in publication PMID: 35346344, PMCID: PMC8962531

NM_005902.4(SMAD3):c.793A>G (p.Asn265Asp)

Gene: SMAD3 (SMAD family member 3; plus strand). Cytogenetic location: 15q22.33.
Variant type: single nucleotide variant.
Coding change: c.793A>G on transcript NM_005902.4 (MANE Select); coding-DNA position 793, A replaced by G.
Protein change: p.Asn265Asp; replaces asparagine 265 with aspartic acid.
Molecular consequence: missense variant.
Genome position (GRCh38, 1-based): chr15:67,181,375, A>G. VCF-style: chr15-67181375-A-G. GRCh37 (hg19) VCF-style: chr15-67473713-A-G.
Other names: c.478A>G, p.Asn160Asp (NM_001145102.2, NM_001407016.1); c.661A>G, p.Asn221Asp (NM_001145103.2, NM_001407012.1); c.208A>G, p.Asn70Asp (NM_001145104.2, NM_001407017.1); c.793A>G, p.Asn265Asp (NM_001407011.1, NM_001407013.1); c.646A>G, p.Asn216Asp (NM_001407014.1); c.346A>G, p.Asn116Asp (NM_001407015.1); short protein forms N116D, N160D, N216D, N221D, N265D, N70D.
Identifiers: ClinVar variation 3386015 (VCV003386015.1).
Genomic context (GRCh38, chr15:67,181,375, plus strand): 5'-GGGGAGACATTCCACGCCTCGCAGCCATCCATGACTGTGGATGGCTTCACCGACCCCTCC[A>G]ATTCGGAGCGCTTCTGCCTAGGGCTGCTCTCCAATGTCAACAGGAATGCAGCAGTGGAGC-3'
Protein context (NP_005893.1, residues 255-275): MTVDGFTDPS[Asn265Asp]SERFCLGLLS